The following is an entry in ClinVar:

NM_014915.3(ANKRD26):c.3184C>A (p.Leu1062Ile)

Gene: ANKRD26 (ankyrin repeat domain 26; minus strand). Cytogenetic location: 10p12.1.
Variant type: single nucleotide variant.
Coding change: c.3184C>A on transcript NM_014915.3 (MANE Select); coding-DNA position 3184, C replaced by A.
Protein change: p.Leu1062Ile; replaces leucine 1062 with isoleucine.
Molecular consequence: missense variant.
Genome position (GRCh38, 1-based): chr10:27,035,266, G>T on the plus strand (C>A on the coding strand, the complement: ANKRD26 is on the minus strand). VCF-style: chr10-27035266-G-T. GRCh37 (hg19) VCF-style: chr10-27324195-G-T.
Other names: c.3181C>A, p.Leu1061Ile (NM_001256053.2); short protein forms L1061I, L1062I.
Identifiers: ClinVar variation 5022821 (VCV005022821.1).
Genomic context (GRCh38, chr10:27,035,266, plus strand): 5'-GATGGAACTCAATTTCTAGGCTATTGAGTTTACTTTCAGTTTTAAATAGTTGTTGAGAAA[G>T]AATCTCATTGTTATCTTTTAGGTTAGACACATCAAAATTCATTTTGTCCTGTAAACGAGA-3'
Protein context (NP_055730.2, residues 1052-1072): VSNLKDNNEI[Leu1062Ile]SQQLFKTESK

ClinVar aggregate classification (germline): Uncertain significance (1 of 4 stars; one submission).

Conditions:
Inborn genetic diseases. Identifiers: MedGen C0950123, MeSH D030342.

gnomAD v4.1: 1 of 1,613,908 alleles (0.000062%); highest among the groups gnomAD compares: Non-Finnish European, 0.000085%; no homozygotes.

Submission:

Ambry Genetics
Classification: Uncertain significance for Inborn genetic diseases. Last evaluated: 2026-06-20. Review status: criteria provided, single submitter. Criteria: Ambry Variant Classification Scheme 2023. Collection method: clinical testing. Allele origin: germline.
Comment: The p.L1062I variant (also known as c.3184C>A), located in coding exon 24 of the ANKRD26 gene, results from a C to A substitution at nucleotide position 3184. The leucine at codon 1062 is replaced by isoleucine, an amino acid with highly similar properties. This amino acid position is conserved. In addition, this alteration is predicted to be tolerated by in silico analysis. Based on the available evidence, the clinical significance of this variant remains unclear.